The following is an entry in ClinVar:

NM_001197104.2(KMT2A):c.2428G>A (p.Ala810Thr)

Gene: KMT2A (lysine methyltransferase 2A; plus strand). Cytogenetic location: 11q23.3.
Variant type: single nucleotide variant.
Coding change: c.2428G>A on transcript NM_001197104.2 (MANE Select); coding-DNA position 2428, G replaced by A.
Protein change: p.Ala810Thr; replaces alanine 810 with threonine.
Molecular consequence: missense variant.
Genome position (GRCh38, 1-based): chr11:118,473,587, G>A. VCF-style: chr11-118473587-G-A. GRCh37 (hg19) VCF-style: chr11-118344302-G-A.
Other names: c.2527G>A, p.Ala843Thr (NM_001412597.1); c.2428G>A, p.Ala810Thr (NM_005933.4); short protein forms A810T, A843T.
Identifiers: ClinVar variation 2871949 (VCV002871949.3), dbSNP rs782238174, ClinGen allele CA6303511.
Genomic context (GRCh38, chr11:118,473,587, plus strand): 5'-AGTGCCTTAAACCCAACTTTTACTTTTCCTTCTCATTCCCTGACTCAGTCTGGGGAATCT[G>A]CAGAGAAAAATCAGAGACCAAGGAAGCAGACTAGTGCTCCGGCAGAGCCATTTTCATCAA-3'
Protein context (NP_001184033.1, residues 800-820): SHSLTQSGES[Ala810Thr]EKNQRPRKQT

ClinVar aggregate classification (germline): Uncertain significance (1 of 4 stars; one submission).

Allele frequency attached by ClinVar (database versions not stated): TOPMed below 0.00001; ExAC 0.00001; gnomAD 0.00001; gnomAD exomes 0.00001.
gnomAD v4.1: 6 of 1,613,900 alleles (0.00037%); highest among the groups gnomAD compares: Non-Finnish European, 0.00051%; no homozygotes.

Submission:

Labcorp Genetics (formerly Invitae), Labcorp
Classification: Uncertain significance. Last evaluated: 2023-12-06. Review status: criteria provided, single submitter. Criteria: Invitae Variant Classification Sherloc (09022015). Collection method: clinical testing. Allele origin: germline.
Comment: This sequence change replaces alanine, which is neutral and non-polar, with threonine, which is neutral and polar, at codon 810 of the KMT2A protein (p.Ala810Thr). This variant is present in population databases (rs782238174, gnomAD 0.002%). This variant has not been reported in the literature in individuals affected with KMT2A-related conditions. Advanced modeling of protein sequence and biophysical properties (such as structural, functional, and spatial information, amino acid conservation, physicochemical variation, residue mobility, and thermodynamic stability) performed at Invitae indicates that this missense variant is not expected to disrupt KMT2A protein function with a negative predictive value of 95%. In summary, the available evidence is currently insufficient to determine the role of this variant in disease. Therefore, it has been classified as a Variant of Uncertain Significance.